The following is an entry in ClinVar:

ClinVar aggregate classification (germline): Uncertain significance (1 of 4 stars; one submission).

Allele frequency attached by ClinVar (database versions not stated): TOPMed below 0.00001; gnomAD 0.00001.

Submission:

GeneDx
Classification: Uncertain significance. Last evaluated: 2021-06-22. Review status: criteria provided, single submitter. Criteria: GeneDx Variant Classification Process June 2021. Collection method: clinical testing. Allele origin: germline. Affected: yes.
Comment: Not observed at significant frequency in large population cohorts (Lek et al., 2016); In silico analysis supports that this missense variant does not alter protein structure/function; Has not been previously published as pathogenic or benign to our knowledge; This variant is associated with the following publications: (PMID: 27535533)

NM_001385012.1(NBEA):c.4981G>A (p.Gly1661Ser)

Gene: NBEA (neurobeachin; plus strand). Cytogenetic location: 13q13.3.
Variant type: single nucleotide variant.
Coding change: c.4981G>A on transcript NM_001385012.1 (MANE Select); coding-DNA position 4981, G replaced by A.
Protein change: p.Gly1661Ser; replaces glycine 1661 with serine.
Molecular consequence: missense variant.
Genome position (GRCh38, 1-based): chr13:35,195,917, G>A. VCF-style: chr13-35195917-G-A. GRCh37 (hg19) VCF-style: chr13-35770054-G-A.
Other names: c.4972G>A, p.Gly1658Ser (NM_001379245.1); c.4981G>A, p.Gly1661Ser (NM_015678.5); short protein forms G1658S, G1661S.
Identifiers: ClinVar variation 1329811 (VCV001329811.2), dbSNP rs2072561702, ClinGen allele CA387833759.